The following is an entry in ClinVar:

ClinVar aggregate classification (germline): Uncertain significance (1 of 4 stars; one submission).

Submission:

Women's Health and Genetics/Laboratory Corporation of America, LabCorp
Classification: Uncertain significance. Last evaluated: 2022-06-07. Review status: criteria provided, single submitter. Criteria: LabCorp Variant Classification Summary - May 2015. Collection method: clinical testing. Allele origin: germline.
Comment: Variant summary: PRDM5 c.3G>T (p.Met1?, aka. p.Met1Ile) alters the initiation codon and is predicted to result either in absence of the protein or truncation of the encoded protein due to translation initiation at a downstream codon. Several downstream in-frame Met codons are found in the transcript sequence (i.e. Met4, Met21, Met44), which could serve as potential alternative translation initiation sites, resulting in an N-terminally truncated protein product; and at least one of these wouldn't affect the most N-terminally located domain of the PRDM5 protein (i.e. the SET domain (amino acids 8-130; IPR001214)). The variant was absent in 229376 control chromosomes (gnomAD). The available data on variant occurrences in the general population are insufficient to allow any conclusion about variant significance. To our knowledge, no occurrence of c.3G>T in individuals affected with Brittle Cornea Syndrome 2 and no experimental evidence demonstrating its impact on protein function have been reported. No clinical diagnostic laboratories have submitted clinical-significance assessments for this variant to ClinVar after 2014. Based on the evidence outlined above, the variant was classified as uncertain significance.

NM_018699.4(PRDM5):c.3G>T (p.Met1Ile)

Gene: PRDM5 (PR/SET domain 5; minus strand). Cytogenetic location: 4q27.
Variant type: single nucleotide variant.
Coding change: c.3G>T on transcript NM_018699.4 (MANE Select); coding-DNA position 3, G replaced by T.
Protein change: p.Met1Ile; changes the start codon (methionine 1).
Molecular consequence: missense variant, initiator codon variant.
Genome position (GRCh38, 1-based): chr4:120,922,606, C>A on the plus strand (G>T on the coding strand, the complement: PRDM5 is on the minus strand). VCF-style: chr4-120922606-C-A. GRCh37 (hg19) VCF-style: chr4-121843761-C-A.
Other names: c.3G>T, p.Met1Ile (NM_001300823.2, NM_001300824.2, NM_001379104.1 and 1 more transcripts); short protein forms M1I.
Identifiers: ClinVar variation 1698507 (VCV001698507.2), dbSNP rs1725110495, ClinGen allele CA358209997.
Genomic context (GRCh38, chr4:120,922,606, plus strand): 5'-CATGCCGTCCTGAACCCGGGAGGACTTCAGGGAGAACCTGTCCGGCACGTACATGCCCAG[C>A]ATTTTCCCGGGCGCGGCGGCCGCCGCCTCTCTCAACACCGGCGCTTAGCGCCCGGCAGGC-3'
Protein context (NP_061169.2, residues 1-11): [Met1Ile]LGMYVPDRFS